The following is an entry in ClinVar:

ClinVar aggregate classification (germline): Uncertain significance. Review status: criteria provided, multiple submitters, no conflicts (2 of 4 stars). 2 submissions from 2 submitters: Uncertain significance (2). Last evaluated 2025-10-06.

Conditions:
Birt-Hogg-Dube syndrome. Also called: Birt Hogg Dubé syndrome. Identifiers: Orphanet 122, MedGen C0346010, MONDO:0800444.
Hereditary cancer-predisposing syndrome. Also called: Hereditary neoplastic syndrome; Neoplastic Syndromes, Hereditary; Tumor predisposition; Hereditary Cancer Syndrome. Identifiers: Orphanet 140162, MedGen C0027672, MeSH D009386, MONDO:0015356.

Submissions (2):

Labcorp Genetics (formerly Invitae), Labcorp
Classification: Uncertain significance for Birt-Hogg-Dube syndrome. Last evaluated: 2025-10-06. Review status: criteria provided, single submitter. Criteria: Invitae Variant Classification Sherloc (09022015). Collection method: clinical testing. Allele origin: germline.
Comment: This sequence change falls in intron 11 of the FLCN gene. It does not directly change the encoded amino acid sequence of the FLCN protein. RNA analysis indicates that this variant induces altered splicing and likely results in a shortened protein product. This variant is not present in population databases (gnomAD no frequency). This variant has not been reported in the literature in individuals affected with FLCN-related conditions. ClinVar contains an entry for this variant (Variation ID: 1023741). Variants that disrupt the consensus splice site are a relatively common cause of aberrant splicing (PMID: 17576681, 9536098). Studies have shown that this variant results in skipping of exon 12, but is expected to preserve the integrity of the reading-frame (internal data). In summary, the available evidence is currently insufficient to determine the role of this variant in disease. Therefore, it has been classified as a Variant of Uncertain Significance.

Ambry Genetics
Classification: Uncertain significance for Hereditary cancer-predisposing syndrome. Last evaluated: 2025-02-28. Review status: criteria provided, single submitter. Criteria: Ambry Variant Classification Scheme 2023. Collection method: clinical testing. Allele origin: germline.
Comment: The c.1301-3_1301-2delCA intronic variant, located in intron 8 of the FLCN gene, results from a deletion of two nucleotides within intron 8 of the FLCN gene. These nucleotide positions are well conserved in available vertebrate species. In silico splice site analysis for this alteration is inconclusive. RNA studies have demonstrated that this alteration results in a splice defect; the clinical impact of this abnormal splicing is unknown at this time (Ambry internal data). Since supporting evidence is limited at this time, the clinical significance of this alteration remains unclear.

Literature cited by the submitters: PubMed 17576681 (cited by Labcorp Genetics (formerly Invitae), Labcorp); PubMed 9536098 (cited by Labcorp Genetics (formerly Invitae), Labcorp).

NM_144997.7(FLCN):c.1301-3_1301-2del

Gene: FLCN (folliculin; minus strand). Cytogenetic location: 17p11.2.
Variant type: Deletion.
Coding change: c.1301-3_1301-2del on transcript NM_144997.7 (MANE Select); 3 bases into the intron before coding-DNA position 1301 through the canonical splice acceptor site of the intron before coding-DNA position 1301, 2 bases deleted (CA; older notation c.1301-3_1301-2delCA).
Molecular consequence: splice acceptor variant.
Genome position (GRCh38, 1-based): chr17:17,215,318-17,215,319, TG deleted on the plus strand (CA on the coding strand, the reverse complement: FLCN is on the minus strand); deleting any 2 consecutive bases within chr17:17,215,318-17,215,320 gives the same sequence; the c. name uses the placement nearest the transcript's 3' end. VCF-style (leftmost placement, unchanged base first): chr17-17215317-CTG-C. GRCh37 (hg19) VCF-style: chr17-17118631-CTG-C.
Other names: c.1301-3_1301-2delCA (NM_144997.5); c.1301-3_1301-2del (NM_001353231.2, NM_001353230.2); c.1355-3_1355-2del (NM_001353229.2).
Identifiers: ClinVar variation 1023741 (VCV001023741.7), dbSNP rs2046884167, ClinGen allele CA2250415986.